The following is an entry in ClinVar:

ClinVar aggregate classification (germline): Uncertain significance (1 of 4 stars; one submission).

gnomAD v4.1: 6 of 1,614,036 alleles (0.00037%); highest among the groups gnomAD compares: South Asian, 0.0033%; no homozygotes.

Submission:

Labcorp Genetics (formerly Invitae), Labcorp
Classification: Uncertain significance. Last evaluated: 2023-01-18. Review status: criteria provided, single submitter. Criteria: Invitae Variant Classification Sherloc (09022015). Collection method: clinical testing. Allele origin: germline.
Comment: This variant has not been reported in the literature in individuals affected with ARID1A-related conditions. This variant is not present in population databases (gnomAD no frequency). This sequence change replaces glycine, which is neutral and non-polar, with arginine, which is basic and polar, at codon 1848 of the ARID1A protein (p.Gly1848Arg). In summary, the available evidence is currently insufficient to determine the role of this variant in disease. Therefore, it has been classified as a Variant of Uncertain Significance. Advanced modeling of protein sequence and biophysical properties (such as structural, functional, and spatial information, amino acid conservation, physicochemical variation, residue mobility, and thermodynamic stability) performed at Invitae indicates that this missense variant is expected to disrupt ARID1A protein function.

NM_006015.6(ARID1A):c.5542G>A (p.Gly1848Arg)

Gene: ARID1A (AT-rich interaction domain 1A; plus strand). Cytogenetic location: 1p36.11.
Variant type: single nucleotide variant.
Coding change: c.5542G>A on transcript NM_006015.6 (MANE Select); coding-DNA position 5542, G replaced by A.
Protein change: p.Gly1848Arg; replaces glycine 1848 with arginine.
Molecular consequence: missense variant.
Genome position (GRCh38, 1-based): chr1:26,779,440, G>A. VCF-style: chr1-26779440-G-A. GRCh37 (hg19) VCF-style: chr1-27105931-G-A.
Other names: c.4891G>A, p.Gly1631Arg (NM_139135.4); short protein forms G1631R, G1848R.
Identifiers: ClinVar variation 2804057 (VCV002804057.3), dbSNP rs140055856, ClinGen allele CA339185814.
Genomic context (GRCh38, chr1:26,779,440, plus strand): 5'-TCAGATAAGCTTGGGCGTGTGCAGGAGTTTGACAGTGGCCTGCTGCACTGGCGGATTGGT[G>A]GGGGGGACACCACTGAGCATATCCAGACCCACTTCGAGAGCAAGACAGAGCTGCTGCCTT-3'
Protein context (NP_006006.3, residues 1838-1858): DSGLLHWRIG[Gly1848Arg]GDTTEHIQTH